The following is an entry in ClinVar:

ClinVar aggregate classification (germline): Pathogenic (1 of 4 stars; one submission).

Conditions:
Charcot-Marie-Tooth disease, type I (CMT1). Also called: Charcot-Marie-Tooth disease type 1; Charcot-Marie-Tooth, Type 1. Identifiers: Orphanet 65753, MedGen C0751036, MONDO:0019011.

Submission:

Labcorp Genetics (formerly Invitae), Labcorp
Classification: Pathogenic for Charcot-Marie-Tooth disease, type I. Last evaluated: 2020-07-08. Review status: criteria provided, single submitter. Criteria: Invitae Variant Classification Sherloc (09022015). Collection method: clinical testing. Allele origin: germline.
Comment: This variant disrupts the C-terminus of the MPZ protein. Other variant(s) that disrupt this region (p.Glu222Valfs*14) have been determined to be pathogenic (PMID: 7530550). This suggests that variants that disrupt this region of the protein are likely to be causative of disease. For these reasons, this variant has been classified as Pathogenic. This variant has not been reported in the literature in individuals with MPZ-related conditions. This variant is not present in population databases (ExAC no frequency). This sequence change results in a premature translational stop signal in the MPZ gene (p.Gly213Alafs*21). While this is not anticipated to result in nonsense mediated decay, it is expected to disrupt the last 36 amino acids of the MPZ protein.

Literature cited by the submitters: PubMed 7530550.

NM_000530.8(MPZ):c.638_639del (p.Gly213fs)

Gene: MPZ (myelin protein zero; minus strand). Cytogenetic location: 1q23.3.
Variant type: Deletion.
Coding change: c.638_639del on transcript NM_000530.8 (MANE Select); coding-DNA positions 638 to 639, 2 bases deleted (GG; older notation c.638_639delGG).
Protein change: p.Gly213fs; shifts the reading frame from glycine 213.
Molecular consequence: frameshift variant.
Genome position (GRCh38, 1-based): chr1:161,306,114-161,306,115, CC deleted on the plus strand (GG on the coding strand, the reverse complement: MPZ is on the minus strand); deleting any 2 consecutive bases within chr1:161,306,114-161,306,116 gives the same sequence; the c. name uses the placement nearest the transcript's 3' end. VCF-style (leftmost placement, unchanged base first): chr1-161306113-GCC-G. GRCh37 (hg19) VCF-style: chr1-161275903-GCC-G.
Other names: c.638_639del, p.Gly213fs (NM_001315491.2); short protein forms G213fs.
Identifiers: ClinVar variation 1076512 (VCV001076512.9), dbSNP rs2102257572, ClinGen allele CA2499214269.